The following is an entry in ClinVar:

NM_001378454.1(ALMS1):c.9382G>A (p.Val3128Ile)

Gene: ALMS1 (ALMS1 centrosome and basal body associated protein; plus strand). Cytogenetic location: 2p13.1.
Variant type: single nucleotide variant.
Coding change: c.9382G>A on transcript NM_001378454.1 (MANE Select); coding-DNA position 9382, G replaced by A.
Protein change: p.Val3128Ile; replaces valine 3128 with isoleucine.
Molecular consequence: missense variant.
Genome position (GRCh38, 1-based): chr2:73,491,341, G>A. VCF-style: chr2-73491341-G-A. GRCh37 (hg19) VCF-style: chr2-73718468-G-A.
Other names: c.9385G>A, p.Val3129Ile (NM_015120.4); short protein forms V3128I, V3129I.
Identifiers: ClinVar variation 859874 (VCV000859874.8), dbSNP rs764937531, ClinGen allele CA1714648.

ClinVar aggregate classification (germline): Uncertain significance. Review status: criteria provided, multiple submitters, no conflicts (2 of 4 stars). 3 submissions from 3 submitters: Uncertain significance (2). 1 of the submissions does not count toward it. Last evaluated 2024-04-18.

Conditions:
Alstrom syndrome (ALMS). Identifiers: Orphanet 64, MedGen C0268425, MONDO:0008763, OMIM 203800.

Allele frequency attached by ClinVar (database versions not stated): gnomAD 0.00001; TOPMed 0.00001; ExAC 0.00002; gnomAD exomes 0.00004.
gnomAD v4.1: 24 of 1,614,020 alleles (0.0015%); highest among the groups gnomAD compares: Middle Eastern, 0.033%; no homozygotes.

Submissions (3):

GeneDx
Classification: Uncertain significance. Last evaluated: 2024-04-18. Review status: criteria provided, single submitter. Criteria: GeneDx Variant Classification Process June 2021. Collection method: clinical testing. Allele origin: germline. Affected: yes.
Comment: Not observed at significant frequency in large population cohorts (gnomAD); In silico analysis indicates that this missense variant does not alter protein structure/function; Has not been previously published as pathogenic or benign to our knowledge

Labcorp Genetics (formerly Invitae), Labcorp
Classification: Uncertain significance for Alstrom syndrome. Last evaluated: 2022-07-29. Review status: criteria provided, single submitter. Criteria: Invitae Variant Classification Sherloc (09022015). Collection method: clinical testing. Allele origin: germline.
Comment: This sequence change replaces valine, which is neutral and non-polar, with isoleucine, which is neutral and non-polar, at codon 3129 of the ALMS1 protein (p.Val3129Ile). This variant is present in population databases (rs764937531, gnomAD 0.01%). This variant has not been reported in the literature in individuals affected with ALMS1-related conditions. ClinVar contains an entry for this variant (Variation ID: 859874). Algorithms developed to predict the effect of missense changes on protein structure and function output the following: SIFT: "Not Available"; PolyPhen-2: "Not Available"; Align-GVGD: "Not Available". The isoleucine amino acid residue is found in multiple mammalian species, which suggests that this missense change does not adversely affect protein function. In summary, the available evidence is currently insufficient to determine the role of this variant in disease. Therefore, it has been classified as a Variant of Uncertain Significance.

Natera, Inc.
Classification: Uncertain significance for Alstrom syndrome. Last evaluated: 2020-12-09. Review status: no assertion criteria provided. Collection method: clinical testing. Allele origin: germline. Not counted in ClinVar's aggregate classification.